The following is an entry in ClinVar:

NM_000528.4(MAN2B1):c.2426T>C (p.Leu809Pro)

Gene: MAN2B1 (mannosidase alpha class 2B member 1; minus strand). Cytogenetic location: 19p13.13.
Variant type: single nucleotide variant.
Coding change: c.2426T>C on transcript NM_000528.4 (MANE Select); coding-DNA position 2426, T replaced by C.
Protein change: p.Leu809Pro; replaces leucine 809 with proline.
Molecular consequence: missense variant.
Genome position (GRCh38, 1-based): chr19:12,649,146, A>G on the plus strand (T>C on the coding strand, the complement: MAN2B1 is on the minus strand). VCF-style: chr19-12649146-A-G. GRCh37 (hg19) VCF-style: chr19-12759960-A-G.
Other names: c.2423T>C, p.Leu808Pro (NM_001173498.2); short protein forms L809P, L808P.
Identifiers: ClinVar variation 21210 (VCV000021210.30), dbSNP rs80338681, ClinGen allele CA341737.

ClinVar aggregate classification (germline): Pathogenic/Likely pathogenic. Review status: criteria provided, multiple submitters, no conflicts (2 of 4 stars). 15 submissions from 15 submitters: Pathogenic (9); Likely pathogenic (1). 5 of the submissions do not count toward it. Last evaluated 2026-01-19.

Conditions:
MAN2B1-related disorder. Also called: MAN2B1-related condition.
Deficiency of alpha-mannosidase (MANSA). Also called: LYSOSOMAL ALPHA-D-MANNOSIDASE DEFICIENCY; Mannosidosis, alpha-, types I and II; Alpha-Mannosidosis. Identifiers: Orphanet 61, MedGen C0024748, MONDO:0009561, OMIM 248500.

Allele frequency attached by ClinVar (database versions not stated): gnomAD 0.00005 and 0.00006; TOPMed 0.00006; gnomAD exomes 0.00007 and 0.00010; ExAC 0.00011.
gnomAD v4.1: 143 of 1,612,018 alleles (0.0089%); highest among the groups gnomAD compares: Non-Finnish European, 0.012%; no homozygotes.

Submissions (15):

Labcorp Genetics (formerly Invitae), Labcorp
Classification: Pathogenic for Deficiency of alpha-mannosidase. Last evaluated: 2026-01-19. Review status: criteria provided, single submitter. Criteria: Invitae Variant Classification Sherloc (09022015). Collection method: clinical testing. Allele origin: germline.
Comment: This sequence change replaces leucine, which is neutral and non-polar, with proline, which is neutral and non-polar, at codon 809 of the MAN2B1 protein (p.Leu809Pro). This variant is present in population databases (rs80338681, gnomAD 0.01%). This missense change has been observed in individual(s) with alpha-mannosidosis (PMID: 9915946, 22161967, 23613340, 26048034). In at least one individual the data is consistent with being in trans (on the opposite chromosome) from a pathogenic variant. ClinVar contains an entry for this variant (Variation ID: 21210). Invitae Evidence Modeling of protein sequence and biophysical properties (such as structural, functional, and spatial information, amino acid conservation, physicochemical variation, residue mobility, and thermodynamic stability) has been performed for this missense variant. However, the output from this modeling did not meet the statistical confidence thresholds required to predict the impact of this variant on MAN2B1 protein function. Experimental studies have shown that this missense change affects MAN2B1 function (PMID: 9915946, 15035660). For these reasons, this variant has been classified as Pathogenic.

First Genomix Gene Laboratory, Genetic Diagnostics Department
Classification: Pathogenic for Deficiency of alpha-mannosidase. Last evaluated: 2025-07-15. Review status: criteria provided, single submitter. Criteria: ACMG Guidelines, 2015. Collection method: clinical testing. Allele origin: germline. Inheritance: Autosomal recessive inheritance. Affected: no. Observed: 1 variant allele.

Natera, Inc.
Classification: Pathogenic for Alpha-mannosidosis. Last evaluated: 2025-05-12. Review status: criteria provided, single submitter. Criteria: Natera Variant Classification Schema (03/2026). Collection method: clinical testing. Allele origin: germline.
Comment: The c.2426T>C variant in MAN2B1 is a missense variant predicted to cause substitution of leucine to proline at amino acid 809. This variant is rare in the general population with a frequency below the threshold expected for the associated phenotype(s). This variant has been observed in one or more individuals affected with the associated recessive disease, as either homozygous or compound heterozygous with a second variant (PMID: 26048034). Given the available evidence, this variant is classified as Pathogenic.

Fulgent Genetics
Classification: Pathogenic for Deficiency of alpha-mannosidase. Last evaluated: 2024-04-07. Review status: criteria provided, single submitter. Criteria: ACMG Guidelines, 2015. Collection method: clinical testing. Allele origin: germline.

Baylor Genetics
Classification: Pathogenic for Deficiency of alpha-mannosidase. Last evaluated: 2024-03-25. Review status: criteria provided, single submitter. Criteria: ACMG Guidelines, 2015. Collection method: clinical testing. Allele origin: unknown.

Pittsburgh Clinical Genomics Laboratory, University of Pittsburgh Medical Center
Classification: Likely pathogenic for Deficiency of alpha-mannosidase. Last evaluated: 2023-12-15. Review status: criteria provided, single submitter. Criteria: ACMG Guidelines, 2015. Collection method: clinical testing. Allele origin: germline. Inheritance: Autosomal recessive inheritance. Affected: yes.
Comment: This sequence variant is a single nucleotide substitution (T>C) at position 2426 of the coding sequence of the MAN2B1 gene that results in a leucine to proline amino acid change at residue 809 of the mannosidase alpha class 2B member 1 protein. This is a previously reported variant (ClinVar 21210) that has been observed in homozygous and compound heterozygous individuals affected by alpha-mannosidosis (PMID: 22161967, 9915946, 15035660, 26048034). This variant is present in 25 of 403342 alleles (0.0062%) in the gnomAD population dataset. Multiple bioinformatic tools predict that this Leu to Pro amino acid change would be damaging, and the Leu809 residue at this position is highly conserved across the vertebrate species examined. The activity of the variant protein is significantly reduced when expressed in cultured fibroblasts and COS cells (PMID: 9915946, 15035660). This is likely due to the misfolding of the protein resulting its retention in the endoplasmic reticulum (PMID: 15035660, 26048034). Given this information, we consider this a likely pathogenic variant. ACMG Criteria: PM3, PP3, PS3

Greenwood Genetic Center Diagnostic Laboratories, Greenwood Genetic Center
Classification: Pathogenic for Deficiency of alpha-mannosidase. Last evaluated: 2022-02-02. Review status: criteria provided, single submitter. Criteria: ACMG Guidelines, 2015. Collection method: clinical testing. Allele origin: germline. Affected: yes.
Comment: PM3_Strong, PS3, PP3, PM2

Revvity Omics, Revvity
Classification: Pathogenic for Deficiency of alpha-mannosidase. Last evaluated: 2022-01-18. Review status: criteria provided, single submitter. Criteria: ACMG Guidelines, 2015. Collection method: clinical testing. Allele origin: germline.

Genome-Nilou Lab
Classification: Pathogenic for Deficiency of alpha-mannosidase. Last evaluated: 2021-09-05. Review status: criteria provided, single submitter. Criteria: ACMG Guidelines, 2015. Collection method: clinical testing. Allele origin: germline. Affected: no.

Women's Health and Genetics/Laboratory Corporation of America, LabCorp
Classification: Pathogenic for Deficiency of alpha-mannosidase. Last evaluated: 2018-04-05. Review status: criteria provided, single submitter. Criteria: LabCorp Variant Classification Summary - May 2015. Collection method: clinical testing. Allele origin: germline.
Comment: Variant summary: MAN2B1 c.2426T>C (p.Leu809Pro) results in a non-conservative amino acid change located in the glycosyl hydrolase family-38 C-terminal domain (InterPro). Five of five in-silico tools predict a damaging effect of the variant on protein function. The variant was observed with an allele frequency of 6.9e-05 in 277176 control chromosomes (gnomAD and publication controls). This frequency is not higher than expected for a pathogenic variant in MAN2B1 causing Alpha-Mannosidosis (6.9e-05 vs 0.0016), allowing no conclusion about variant significance. The variant, c.2426T>C, has been reported in the literature in multiple individuals affected with Alpha-Mannosidosis (Berg 1999, Borgwardt 2015). These data indicate that the variant is very likely to be associated with disease. Publications also reported experimental evidence evaluating an impact on protein function. The most pronounced variant effect resulted in <10% of normal activity (Berg 1999, Hansen 2004). No clinical diagnostic laboratories have submitted clinical-significance assessments for this variant to ClinVar after 2014. Based on the evidence outlined above, the variant was classified as pathogenic.

PreventionGenetics, part of Exact Sciences
Classification: Pathogenic for MAN2B1-related condition. Last evaluated: 2024-08-14. Review status: no assertion criteria provided. Collection method: clinical testing. Allele origin: germline. Not counted in ClinVar's aggregate classification.
Comment: The MAN2B1 c.2426T>C variant is predicted to result in the amino acid substitution p.Leu809Pro. This variant has been reported in the homozygous and compound heterozygous state in multiple individuals with alpha-mannosidosis (see for example Berg. et al. 1999. PubMed ID: 9915946; Borgwardt. et al. 2015. PubMed ID: 26048034). This variant is reported in 0.014% of alleles in individuals of European (Non-Finnish) descent in gnomAD, and is interpreted as pathogenic in ClinVar by multiple clinical laboratories. This variant is interpreted as likely pathogenic.

Counsyl
Classification: Likely pathogenic for Deficiency of alpha-mannosidase. Last evaluated: 2014-06-19. Review status: no assertion criteria provided. Collection method: literature only. Allele origin: unknown. Inheritance: Autosomal recessive inheritance. Not counted in ClinVar's aggregate classification.

ClinVar Staff, National Center for Biotechnology Information (NCBI)
Classification: Uncertain significance for Deficiency of alpha-mannosidase. Last evaluated: 2012-06-07. Review status: no assertion criteria provided. Collection method: literature only. Allele origin: germline. Affected: yes. Not counted in ClinVar's aggregate classification.

OMIM
Classification: Pathogenic for ALPHA-MANNOSIDOSIS. Last evaluated: 2012-03-01. Review status: no assertion criteria provided. Collection method: literature only. Allele origin: germline. Not counted in ClinVar's aggregate classification.

GeneReviews
No classification provided. Condition: Deficiency of alpha-mannosidase. Review status: no classification provided. Collection method: literature only. Allele origin: unknown. Not counted in ClinVar's aggregate classification.

Literature cited by the submitters: PubMed 9915946 (cited by 7 submitters); PubMed 22161967 (cited by 4 submitters); PubMed 23613340 (cited by Labcorp Genetics (formerly Invitae), Labcorp and Counsyl); PubMed 26048034 (cited by 3 submitters); PubMed 15035660 (cited by 4 submitters); PubMed 12634058 (cited by Counsyl); PubMed 19958498 (cited by Counsyl); PubMed 1472354 (cited by Counsyl); PubMed 20301570 (cited by GeneReviews); NCBI Bookshelf NBK1396 (cited by GeneReviews).